The following is an entry in ClinVar:

NM_138395.4(MARS2):c.826A>C (p.Ile276Leu)

Gene: MARS2 (methionyl-tRNA synthetase 2, mitochondrial; plus strand). Cytogenetic location: 2q33.1.
Variant type: single nucleotide variant.
Coding change: c.826A>C on transcript NM_138395.4 (MANE Select); coding-DNA position 826, A replaced by C.
Protein change: p.Ile276Leu; replaces isoleucine 276 with leucine.
Molecular consequence: missense variant.
Genome position (GRCh38, 1-based): chr2:197,706,231, A>C. VCF-style: chr2-197706231-A-C. GRCh37 (hg19) VCF-style: chr2-198570955-A-C.
Other names: c.826A>C (NM_138395.3); short protein forms I276L.
Identifiers: ClinVar variation 1373372 (VCV001373372.8), dbSNP rs377361507, ClinGen allele CA2044644.

ClinVar aggregate classification (germline): Uncertain significance. Review status: criteria provided, multiple submitters, no conflicts (2 of 4 stars). 3 submissions from 3 submitters: Uncertain significance (3). Last evaluated 2024-10-21.

Allele frequency attached by ClinVar (database versions not stated): gnomAD 0.00001 and 0.00002; gnomAD exomes 0.00003 and 0.00006; ExAC 0.00004; ESP Exome Variant Server 0.00008.
gnomAD v4.1: 94 of 1,614,228 alleles (0.0058%); highest among the groups gnomAD compares: Middle Eastern, 0.033%; no homozygotes.

Submissions (3):

Blueprint Genetics
Classification: Uncertain significance. Last evaluated: 2024-10-21. Review status: criteria provided, single submitter. Criteria: ACMG Guidelines, 2015. Collection method: clinical testing. Allele origin: germline.

Labcorp Genetics (formerly Invitae), Labcorp
Classification: Uncertain significance. Last evaluated: 2024-03-23. Review status: criteria provided, single submitter. Criteria: Invitae Variant Classification Sherloc (09022015). Collection method: clinical testing. Allele origin: germline.
Comment: This sequence change replaces isoleucine, which is neutral and non-polar, with leucine, which is neutral and non-polar, at codon 276 of the MARS2 protein (p.Ile276Leu). This variant is present in population databases (rs377361507, gnomAD 0.007%). This variant has not been reported in the literature in individuals affected with MARS2-related conditions. ClinVar contains an entry for this variant (Variation ID: 1373372). Advanced modeling of protein sequence and biophysical properties (such as structural, functional, and spatial information, amino acid conservation, physicochemical variation, residue mobility, and thermodynamic stability) performed at Invitae indicates that this missense variant is not expected to disrupt MARS2 protein function with a negative predictive value of 80%. In summary, the available evidence is currently insufficient to determine the role of this variant in disease. Therefore, it has been classified as a Variant of Uncertain Significance.

Ambry Genetics
Classification: Uncertain significance. Last evaluated: 2021-08-23. Review status: criteria provided, single submitter. Criteria: Ambry Variant Classification Scheme 2023. Collection method: clinical testing. Allele origin: germline.